The following is an entry in ClinVar:

NM_022041.4(GAN):c.-75G>C

Genes: GAN (gigaxonin; plus strand), LOC130059498 (ATAC-STARR-seq lymphoblastoid silent region 7753; plus strand). Cytogenetic location: 16q23.2.
Variant type: single nucleotide variant.
Coding change: c.-75G>C on transcript NM_022041.4 (MANE Select); 75 bases upstream of the start codon, G replaced by C.
Molecular consequence: 5 prime UTR variant.
Genome position (GRCh38, 1-based): chr16:81,315,039, G>C. VCF-style: chr16-81315039-G-C. GRCh37 (hg19) VCF-style: chr16-81348644-G-C.
Other names: c.-599G>C (NM_001377486.1).
Identifiers: ClinVar variation 320646 (VCV000320646.7), dbSNP rs117642837, ClinGen allele CA10638433.
Genomic context (GRCh38, chr16:81,315,039, plus strand): 5'-CCCGGGGGCTCCAGCTTCTGCTCAGAGCGCGGAGAGCCGGGCCGGGCGGGCGCGCGCGCA[G>C]GACTCGGGCCGCTCGAGGGGTCCGGCCGGACGGTGTCGGGAGCCGGACCCGTCGGCAGAG-3'

ClinVar aggregate classification (germline): Benign. Review status: criteria provided, multiple submitters, no conflicts (2 of 4 stars). 3 submissions from 3 submitters: Benign (3). Last evaluated 2018-06-20.

Conditions:
Giant axonal neuropathy 1 (GAN1). Also called: GAN-Related Neurodegeneration; GIANT AXONAL NEUROPATHY 1, AUTOSOMAL RECESSIVE. Identifiers: Orphanet 643, MedGen C1850386, MONDO:0009749, OMIM 256850.

Allele frequency attached by ClinVar (database versions not stated): TOPMed 0.03825; 1000 Genomes Project 0.04333; 1000 Genomes Project 30x 0.04435.
gnomAD v4.1: 29,783 of 1,212,674 alleles (2.5%); highest among the groups gnomAD compares: African/African-American, 7.8%; 512 homozygotes.

Submissions (3):

GeneDx
Classification: Benign. Last evaluated: 2018-06-20. Review status: criteria provided, single submitter. Criteria: GeneDx Variant Classification (06012015). Collection method: clinical testing. Allele origin: germline. Affected: yes.
Comment: This variant is considered likely benign or benign based on one or more of the following criteria: it is a conservative change, it occurs at a poorly conserved position in the protein, it is predicted to be benign by multiple in silico algorithms, and/or has population frequency not consistent with disease.

Illumina Laboratory Services, Illumina
Classification: Benign for Giant axonal neuropathy 1. Last evaluated: 2018-01-13. Review status: criteria provided, single submitter. Criteria: ICSL Variant Classification Criteria 13 December 2019. Collection method: clinical testing. Allele origin: germline.
Comment: This variant was observed in the ICSL laboratory as part of a predisposition screen in an ostensibly healthy population. It had not been previously curated by ICSL or reported in the Human Gene Mutation Database (HGMD: prior to June 1st, 2018), and was therefore a candidate for classification through an automated scoring system. Utilizing variant allele frequency, disease prevalence and penetrance estimates, and inheritance mode, an automated score was calculated to assess if this variant is too frequent to cause the disease. Based on the score and internal cut-off values, a variant classified as benign is not then subjected to further curation. The score for this variant resulted in a classification of benign for this disease.

Breakthrough Genomics
Classification: Benign. Review status: criteria provided, single submitter. Criteria: ACMG Guidelines, 2015. Collection method: not provided. Allele origin: germline. Inheritance: Autosomal recessive inheritance. Affected: yes.